The following is an entry in ClinVar:

ClinVar aggregate classification (germline): Benign/Likely benign. Review status: criteria provided, multiple submitters, no conflicts (2 of 4 stars). 13 submissions from 13 submitters: Benign (10); Likely benign (2). 1 of the submissions does not count toward it. Last evaluated 2026-02-04.

Conditions:
Familial colorectal cancer type X. Identifiers: Orphanet 440437, MedGen C3896578, MONDO:0018604.
Polymerase proofreading-related adenomatous polyposis. Also called: Polymerase proofreading associated polyposis; Polymerase proofreading–associated polyposis (PPAP). Identifiers: Orphanet 447877, MedGen C5202613, MONDO:0018653.
Colorectal cancer, susceptibility to, 12 (CRCS12). Also called: COLORECTAL CANCER, SUSCEPTIBILITY TO, ON CHROMOSOME 12q24. Identifiers: Orphanet 220460, MedGen C3554460, MONDO:0014038, OMIM 615083.
Hereditary cancer-predisposing syndrome. Also called: Tumor predisposition; Neoplastic Syndromes, Hereditary; Hereditary Cancer Syndrome; Hereditary neoplastic syndrome. Identifiers: Orphanet 140162, MedGen C0027672, MeSH D009386, MONDO:0015356.

Allele frequency attached by ClinVar (database versions not stated): gnomAD exomes 0.00082 and 0.00238; ExAC 0.00310; gnomAD 0.00902 and 0.00949; TOPMed 0.00968; ESP Exome Variant Server 0.01069; 1000 Genomes Project 30x 0.01187; 1000 Genomes Project 0.01198.
gnomAD v4.1: 2,615 of 1,613,930 alleles (0.16%); highest among the groups gnomAD compares: African/African-American, 3.1%; 30 homozygotes.

Submissions (13):

Labcorp Genetics (formerly Invitae), Labcorp
Classification: Benign. Last evaluated: 2026-02-04. Review status: criteria provided, single submitter. Criteria: Invitae Variant Classification Sherloc (09022015). Collection method: clinical testing. Allele origin: germline.

Center for Genomic Medicine, Rigshospitalet, Copenhagen University Hospital
Classification: Benign. Last evaluated: 2025-03-04. Review status: criteria provided, single submitter. Criteria: ACMG Guidelines, 2015. Collection method: clinical testing. Allele origin: germline.

KCCC/NGS Laboratory, Kuwait Cancer Control Center
Classification: Benign for Colorectal cancer, susceptibility to, 12. Last evaluated: 2023-07-07. Review status: criteria provided, single submitter. Criteria: ACMG Guidelines, 2015. Collection method: clinical testing. Allele origin: germline. Affected: yes.

Mayo Clinic Laboratories, Mayo Clinic
Classification: Benign. Last evaluated: 2023-04-20. Review status: criteria provided, single submitter. Criteria: ACMG Guidelines, 2015. Collection method: clinical testing. Allele origin: germline. Observed: 5 variant alleles.
Comment: BS1, BS2, BP4, BP7

Department of Pathology and Laboratory Medicine, Sinai Health System
Classification: Benign for Polymerase proofreading-related adenomatous polyposis; Familial colorectal cancer type X. Last evaluated: 2020-09-16. Review status: criteria provided, single submitter. Criteria: ACMG Guidelines, 2015. Collection method: clinical testing. Allele origin: germline. Affected: yes.

ARUP Laboratories, Molecular Genetics and Genomics, ARUP Laboratories
Classification: Benign. Last evaluated: 2020-04-17. Review status: criteria provided, single submitter. Criteria: ARUP Molecular Germline Variant Investigation Process. Collection method: clinical testing. Allele origin: germline.

GeneDx
Classification: Benign. Last evaluated: 2017-12-20. Review status: criteria provided, single submitter. Criteria: GeneDx Variant Classification (06012015). Collection method: clinical testing. Allele origin: germline. Affected: yes.
Comment: This variant is considered likely benign or benign based on one or more of the following criteria: it is a conservative change, it occurs at a poorly conserved position in the protein, it is predicted to be benign by multiple in silico algorithms, and/or has population frequency not consistent with disease.

Women's Health and Genetics/Laboratory Corporation of America, LabCorp
Classification: Benign. Last evaluated: 2017-10-26. Review status: criteria provided, single submitter. Criteria: LabCorp Variant Classification Summary - May 2015. Collection method: clinical testing. Allele origin: germline.
Comment: Variant summary: The POLE c.5583A>C (p.Ser1861Ser) variant involves the alteration of a non-conserved nucleotide, resulting in a synonymous change. One in silico tool predicts a damaging outcome for this variant. 4/5 splice prediction tools predict no significant impact on normal splicing. ESE finder predicts that this variant may affect ESE sites. However, these predictions have yet to be confirmed by functional studies. This variant was found in 852/277212 control chromosomes at a frequency of 0.0030735, which is approximately 216 times the estimated maximal expected allele frequency of a pathogenic POLE variant (0.0000142), suggesting this variant is likely a benign polymorphism. In addition, multiple clinical diagnostic laboratories/reputable databases classified this variant as benign/likely benign. The variant of interest has not, to our knowledge, been reported in affected individuals via publications; nor evaluated for functional impact by in vivo/vitro studies. Taken together, this variant is classified as benign.

PreventionGenetics, part of Exact Sciences
Classification: Benign. Last evaluated: 2016-12-06. Review status: criteria provided, single submitter. Criteria: ACMG Guidelines, 2015. Collection method: clinical testing. Allele origin: germline.

Quest Diagnostics Nichols Institute San Juan Capistrano
Classification: Benign. Last evaluated: 2016-11-16. Review status: criteria provided, single submitter. Criteria: Quest Diagnostics criteria. Collection method: clinical testing. Allele origin: unknown.

Ambry Genetics
Classification: Likely benign for Hereditary cancer-predisposing syndrome. Last evaluated: 2015-12-30. Review status: criteria provided, single submitter. Criteria: Ambry Variant Classification Scheme 2023. Collection method: clinical testing. Allele origin: germline.

Breakthrough Genomics
Classification: Likely benign. Review status: criteria provided, single submitter. Criteria: ACMG Guidelines, 2015. Collection method: not provided. Allele origin: germline. Inheritance: Autosomal recessive inheritance. Affected: yes.

True Health Diagnostics
Classification: Likely benign for Hereditary cancer-predisposing syndrome. Last evaluated: 2017-11-30. Review status: no assertion criteria provided. Collection method: clinical testing. Allele origin: germline. Not counted in ClinVar's aggregate classification.

NM_006231.4(POLE):c.5583A>C (p.Ser1861=)

Gene: POLE (DNA polymerase epsilon, catalytic subunit; minus strand). Cytogenetic location: 12q24.33.
Variant type: single nucleotide variant.
Coding change: c.5583A>C on transcript NM_006231.4 (MANE Select); coding-DNA position 5583, A replaced by C.
Protein change: p.Ser1861=; no amino-acid change (serine 1861 retained).
Molecular consequence: synonymous variant.
Genome position (GRCh38, 1-based): chr12:132,638,109, T>G on the plus strand (A>C on the coding strand, the complement: POLE is on the minus strand). VCF-style: chr12-132638109-T-G. GRCh37 (hg19) VCF-style: chr12-133214695-T-G.
Other names: p.Ser1861=.
Identifiers: ClinVar variation 240566 (VCV000240566.36), dbSNP rs5744972, ClinGen allele CA6892466.